The following is an entry in ClinVar:

ClinVar aggregate classification (germline): Uncertain significance (1 of 4 stars; one submission).

Allele frequency attached by ClinVar (database versions not stated): gnomAD exomes below 0.00001; TOPMed below 0.00001.
gnomAD v4.1: 1 of 1,593,194 alleles (0.000063%); highest among the groups gnomAD compares: East Asian, 0.0023%; no homozygotes.

Submission:

CeGaT Center for Human Genetics Tuebingen
Classification: Uncertain significance. Last evaluated: 2024-05-01. Review status: criteria provided, single submitter. Criteria: CeGaT Center For Human Genetics Tuebingen Variant Classification Criteria Version 2. Collection method: clinical testing. Allele origin: germline. Affected: yes. Observed: 1 variant allele.
Comment: CYFIP2: PM2, PP2

NM_001037333.3(CYFIP2):c.1106G>A (p.Ser369Asn)

Gene: CYFIP2 (cytoplasmic FMR1 interacting protein 2; plus strand). Cytogenetic location: 5q33.3.
Variant type: single nucleotide variant.
Coding change: c.1106G>A on transcript NM_001037333.3 (MANE Select); coding-DNA position 1106, G replaced by A.
Protein change: p.Ser369Asn; replaces serine 369 with asparagine.
Molecular consequence: missense variant.
Genome position (GRCh38, 1-based): chr5:157,311,777, G>A. VCF-style: chr5-157311777-G-A. GRCh37 (hg19) VCF-style: chr5-156738785-G-A.
Other names: c.1028G>A, p.Ser343Asn (NM_001291721.2); c.1106G>A, p.Ser369Asn (NM_001291722.2, NM_014376.4); short protein forms S343N, S369N.
Identifiers: ClinVar variation 3239503 (VCV003239503.19), dbSNP rs1759748900.
Genomic context (GRCh38, chr5:157,311,777, plus strand): 5'-TGGTTCAGATCCGGGATGACCACATCCGCTTCATCTCCGAGCTCGCTCGCTACAGCAACA[G>A]TGAGGTGAGCATGCAGGCTGCTGGGGCACAGGCCCGTGGGCCCAGGGCCAGAAGGGGTAA-3'
Protein context (NP_001032410.1, residues 359-379): FISELARYSN[Ser369Asn]EVVTGSGLDS